The following is an entry in ClinVar:

ClinVar aggregate classification (germline): Uncertain significance (1 of 4 stars; one submission).

Allele frequency attached by ClinVar (database versions not stated): gnomAD 0.00001.
gnomAD v4.1: 2 of 1,504,192 alleles (0.00013%); highest among the groups gnomAD compares: South Asian, 0.0011%; no homozygotes.

Submission:

Labcorp Genetics (formerly Invitae), Labcorp
Classification: Uncertain significance. Last evaluated: 2022-05-14. Review status: criteria provided, single submitter. Criteria: Invitae Variant Classification Sherloc (09022015). Collection method: clinical testing. Allele origin: germline.
Comment: This variant has not been reported in the literature in individuals affected with UBR1-related conditions. In summary, the available evidence is currently insufficient to determine the role of this variant in disease. Therefore, it has been classified as a Variant of Uncertain Significance. Algorithms developed to predict the effect of missense changes on protein structure and function (SIFT, PolyPhen-2, Align-GVGD) all suggest that this variant is likely to be tolerated. This variant is not present in population databases (gnomAD no frequency). This sequence change replaces leucine, which is neutral and non-polar, with valine, which is neutral and non-polar, at codon 732 of the UBR1 protein (p.Leu732Val).

NM_174916.3(UBR1):c.2194T>G (p.Leu732Val)

Gene: UBR1 (ubiquitin protein ligase E3 component n-recognin 1; minus strand). Cytogenetic location: 15q15.2.
Variant type: single nucleotide variant.
Coding change: c.2194T>G on transcript NM_174916.3 (MANE Select); coding-DNA position 2194, T replaced by G.
Protein change: p.Leu732Val; replaces leucine 732 with valine.
Molecular consequence: missense variant.
Genome position (GRCh38, 1-based): chr15:43,032,628, A>C on the plus strand (T>G on the coding strand, the complement: UBR1 is on the minus strand). VCF-style: chr15-43032628-A-C. GRCh37 (hg19) VCF-style: chr15-43324826-A-C.
Other names: short protein forms L732V.
Identifiers: ClinVar variation 1994331 (VCV001994331.4), dbSNP rs2033271252, ClinGen allele CA392057719.